The following is an entry in ClinVar:

NM_058195.4(CDKN2A):c.154A>G (p.Ser52Gly)

Gene: CDKN2A (cyclin dependent kinase inhibitor 2A; minus strand). Cytogenetic location: 9p21.3.
Variant type: single nucleotide variant.
Coding change: c.154A>G on transcript NM_058195.4 (MANE Plus Clinical); coding-DNA position 154, A replaced by G.
Protein change: p.Ser52Gly; replaces serine 52 with glycine.
Molecular consequence: missense variant. On other transcripts: intron variant (1).
Genome position (GRCh38, 1-based): chr9:21,994,178, T>C on the plus strand (A>G on the coding strand, the complement: CDKN2A is on the minus strand). VCF-style: chr9-21994178-T-C. GRCh37 (hg19) VCF-style: chr9-21994177-T-C.
Other names: c.-4+643A>G (NM_001363763.2); short protein forms S52G.
Identifiers: ClinVar variation 651950 (VCV000651950.7), dbSNP rs1587358275, ClinGen allele CA373086842.

ClinVar aggregate classification (germline): Uncertain significance. Review status: criteria provided, multiple submitters, no conflicts (2 of 4 stars). 2 submissions from 2 submitters: Uncertain significance (2). Last evaluated 2022-04-08.

Conditions:
Familial melanoma. Also called: Hereditary melanoma; Hereditary cutaneous melanoma. Identifiers: Orphanet 618, MedGen C1512419, MONDO:0018961.
Hereditary cancer-predisposing syndrome. Also called: Tumor predisposition; Hereditary neoplastic syndrome; Neoplastic Syndromes, Hereditary; Hereditary Cancer Syndrome. Identifiers: Orphanet 140162, MedGen C0027672, MeSH D009386, MONDO:0015356.

Submissions (2):

Ambry Genetics
Classification: Uncertain significance for Hereditary cancer-predisposing syndrome. Last evaluated: 2022-04-08. Review status: criteria provided, single submitter. Criteria: Ambry Variant Classification Scheme 2023. Collection method: clinical testing. Allele origin: germline.
Comment: The p.S52G variant (also known as c.154A>G), located in coding exon 1 of the CDKN2A gene, results from an A to G substitution at nucleotide position 154. The serine at codon 52 is replaced by glycine, an amino acid with similar properties. This amino acid position is not well conserved in available vertebrate species. In addition, this alteration is predicted to be tolerated by in silico analysis. Since supporting evidence is limited at this time, the clinical significance of this alteration remains unclear.

Labcorp Genetics (formerly Invitae), Labcorp
Classification: Uncertain significance for Familial melanoma. Last evaluated: 2021-07-14. Review status: criteria provided, single submitter. Criteria: Invitae Variant Classification Sherloc (09022015). Collection method: clinical testing. Allele origin: germline.